The following is an entry in ClinVar:

ClinVar aggregate classification (germline): Likely benign (1 of 4 stars; one submission).

Conditions:
Developmental and epileptic encephalopathy, 5 (DEE5). Identifiers: Orphanet 3451, MedGen C3150731, MONDO:0013277, OMIM 613477.

Allele frequency attached by ClinVar (database versions not stated): TOPMed below 0.00001; gnomAD 0.00001.
gnomAD v4.1: 1 of 1,614,038 alleles (0.000062%); highest among the groups gnomAD compares: Non-Finnish European, 0.000085%; no homozygotes.

Submission:

Institute of Human Genetics, University of Leipzig Medical Center
Classification: Likely benign for Developmental and epileptic encephalopathy, 5. Last evaluated: 2021-11-03. Review status: criteria provided, single submitter. Criteria: ACMG Guidelines, 2015. Collection method: clinical testing. Allele origin: unknown. Affected: yes.
Comment: _x000D_no splicing effect on patient mRNA Criteria applied: PM2_SUP, BS3, BP7

NM_001130438.3(SPTAN1):c.4344G>A (p.Gln1448=)

Gene: SPTAN1 (spectrin alpha, non-erythrocytic 1; plus strand). Cytogenetic location: 9q34.11.
Variant type: single nucleotide variant.
Coding change: c.4344G>A on transcript NM_001130438.3 (MANE Select); coding-DNA position 4344, G replaced by A.
Protein change: p.Gln1448=; no amino-acid change (glutamine 1448 retained).
Molecular consequence: synonymous variant.
Genome position (GRCh38, 1-based): chr9:128,608,049, G>A. VCF-style: chr9-128608049-G-A. GRCh37 (hg19) VCF-style: chr9-131370328-G-A.
Other names: c.4284G>A, p.Gln1428= (NM_001195532.2, NM_001363765.2, NM_001375314.2); c.4344G>A, p.Gln1448= (NM_001363759.2, NM_001375310.1, NM_001375311.2 and 2 more transcripts); c.4380G>A, p.Gln1460= (NM_001375312.2, NM_001375318.1).
Identifiers: ClinVar variation 1325814 (VCV001325814.1), dbSNP rs1357221237, ClinGen allele CA467484810.